The following is an entry in ClinVar:

NM_006516.4(SLC2A1):c.190_193dup (p.Trp65fs)

Gene: SLC2A1 (solute carrier family 2 member 1; minus strand). Cytogenetic location: 1p34.2.
Variant type: Microsatellite.
Coding change: c.190_193dup on transcript NM_006516.4 (MANE Select); coding-DNA positions 190 to 193, 4 bases duplicated (CTCT; older notation c.190_193dupCTCT).
Protein change: p.Trp65fs; shifts the reading frame from tryptophan 65.
Molecular consequence: frameshift variant.
Genome position (GRCh38, 1-based): chr1:42,931,128-42,931,131, AGAG duplicated on the plus strand (CTCT on the coding strand, the reverse complement: SLC2A1 is on the minus strand). VCF-style (leftmost placement, unchanged base first): chr1-42931127-C-CAGAG. GRCh37 (hg19) VCF-style: chr1-43396798-C-CAGAG.
Other names: short protein forms W65fs.
Identifiers: ClinVar variation 4057292 (VCV004057292.1).
Genomic context (GRCh38, chr1:42,931,127, plus strand): 5'-AGGCCCACAGAGAAGGAGCCAATCATGCCCCCAACAGAAAAGATGGCCACTGAGAGGGAC[C>CAGAG]AGAGCGTGGTGAGCGTGGTGGGCAGGATGCTCTCCCCATAGCGGTGGACCCATGTCTGGT-3'

ClinVar aggregate classification (germline): Likely pathogenic (1 of 4 stars; one submission).

Conditions:
Encephalopathy due to GLUT1 deficiency. Also called: GLUCOSE TRANSPORT DEFECT, BLOOD-BRAIN BARRIER; De Vivo disease; Glucose transporter protein syndrome; GLUT1 deficiency syndrome 1; GLUT1 deficiency syndrome 1, infantile onset, severe; Classic Glucose Transporter Type 1 Deficiency Syndrome. Identifiers: Orphanet 71277, MedGen C4551966, MONDO:0011724, OMIM 606777.

Submission:

Diagnostics Services (NGS), CSIR - Centre For Cellular And Molecular Biology
Classification: Likely pathogenic for Encephalopathy due to GLUT1 deficiency. Last evaluated: 2025-07-10. Review status: criteria provided, single submitter. Criteria: ACMG Guidelines, 2015. Collection method: clinical testing. Allele origin: unknown. Affected: yes. Observed: 1 variant allele, 1 heterozygote.
Comment: The c.190_193dup variant is not present in publicly available population databases like 1000 Genomes, EVS, gnomAD, Indian Exome Database or our internal database. The variant has neither been published in the literature nor reported to clinical databases like Human Genome Mutation Database (HGMD), ClinVar or OMIM, in any affected individuals. In-silico pathogenicity prediction programs like MutationTaster2021, CADD, Franklin, Varsome etc, predicted this variant to be likely deleterious. This variant causes frameshift at the 65th amino acid position of the wild-type transcript, which creates a premature translational stop signal at the altered transcript that may either result in the translation of a truncated protein or cause nonsense-mediated decay of the mRNA.